The following is an entry in ClinVar:

NM_001943.5(DSG2):c.1503G>T (p.Glu501Asp)

Gene: DSG2 (desmoglein 2; plus strand). Cytogenetic location: 18q12.1.
Variant type: single nucleotide variant.
Coding change: c.1503G>T on transcript NM_001943.5 (MANE Select); coding-DNA position 1503, G replaced by T.
Protein change: p.Glu501Asp; replaces glutamic acid 501 with aspartic acid.
Molecular consequence: missense variant.
Genome position (GRCh38, 1-based): chr18:31,536,281, G>T. VCF-style: chr18-31536281-G-T. GRCh37 (hg19) VCF-style: chr18-29116244-G-T.
Other names: short protein forms E501D.
Identifiers: ClinVar variation 629155 (VCV000629155.12), dbSNP rs1191142951, ClinGen allele CA402141509.

ClinVar aggregate classification (germline): Conflicting classifications of pathogenicity. Review status: criteria provided, conflicting classifications (1 of 4 stars). 6 submissions from 6 submitters: Uncertain significance (3); Likely benign (3). Last evaluated 2026-03-29.

Conditions:
Cardiovascular phenotype. Identifiers: MedGen CN230736.
DSG2-related disorder. Also called: DSG2-related condition.
Arrhythmogenic right ventricular dysplasia 10. Also called: Arrhythmogenic Right Ventricular Dysplasia/Cardiomyopathy10; ARRHYTHMOGENIC RIGHT VENTRICULAR DYSPLASIA, FAMILIAL, 10; Arrhythmogenic right ventricular dysplasia/cardiomyopathy, type 10. Identifiers: MedGen C1857777, MONDO:0012434, OMIM 610193.
Arrhythmogenic right ventricular cardiomyopathy (ARVD). Also called: Cardiomyopathy, ARVC; Arrhythmogenic right ventricular dysplasia; Arrhythmogenic cardiomyopathy; Arrhythmogenic Right Ventricular Cardiomyopathy (ARVC). Identifiers: Orphanet 247, MedGen C0349788, MeSH D019571, MONDO:0016587. Disease mechanism: loss of function. Inheritance: Various modes of inheritance.
Cardiomyopathy (CMYO). Also called: Cardiomyopathies. Identifiers: Orphanet 167848, MedGen C0878544, MONDO:0004994, HP:0001638. Inheritance: Various modes of inheritance.

Allele frequency attached by ClinVar (database versions not stated): TOPMed 0.00002; gnomAD exomes 0.00001; gnomAD 0.00002.
gnomAD v4.1: 8 of 1,614,070 alleles (0.0005%); highest among the groups gnomAD compares: African/African-American, 0.0027%; no homozygotes.

Submissions (6):

Ambry Genetics
Classification: Likely benign for Cardiovascular phenotype. Last evaluated: 2026-03-29. Review status: criteria provided, single submitter. Criteria: Ambry Variant Classification Scheme 2023. Collection method: clinical testing. Allele origin: germline.

Labcorp Genetics (formerly Invitae), Labcorp
Classification: Uncertain significance for Arrhythmogenic right ventricular dysplasia 10. Last evaluated: 2025-12-03. Review status: criteria provided, single submitter. Criteria: Invitae Variant Classification Sherloc (09022015). Collection method: clinical testing. Allele origin: germline.
Comment: This sequence change replaces glutamic acid, which is acidic and polar, with aspartic acid, which is acidic and polar, at codon 501 of the DSG2 protein (p.Glu501Asp). This variant is present in population databases (no rsID available, gnomAD 0.002%). This variant has not been reported in the literature in individuals affected with DSG2-related conditions. ClinVar contains an entry for this variant (Variation ID: 629155). Invitae Evidence Modeling of protein sequence and biophysical properties (such as structural, functional, and spatial information, amino acid conservation, physicochemical variation, residue mobility, and thermodynamic stability) indicates that this missense variant is not expected to disrupt DSG2 protein function with a negative predictive value of 95%. In summary, the available evidence is currently insufficient to determine the role of this variant in disease. Therefore, it has been classified as a Variant of Uncertain Significance.

Color Diagnostics, LLC DBA Color Health
Classification: Likely benign for Cardiomyopathy. Last evaluated: 2024-08-29. Review status: criteria provided, single submitter. Criteria: ACMG Guidelines, 2015. Collection method: clinical testing. Allele origin: germline.

All of Us Research Program, National Institutes of Health
Classification: Likely benign for Arrhythmogenic right ventricular cardiomyopathy. Last evaluated: 2023-12-01. Review status: criteria provided, single submitter. Criteria: ACMG Guidelines, 2015. Collection method: clinical testing. Allele origin: germline. Inheritance: Autosomal dominant inheritance. Observed: 3 variant alleles, 3 heterozygotes.
Comment: This study involves interpretation of variants in research participants for the purpose of population health screening. Participant phenotype was not available at the time of variant classification. Additional details can be found in publication PMID: 35346344, PMCID: PMC8962531

GeneDx
Classification: Uncertain significance. Last evaluated: 2022-12-12. Review status: criteria provided, single submitter. Criteria: GeneDx Variant Classification Process June 2021. Collection method: clinical testing. Allele origin: germline. Affected: yes.
Comment: Has not been previously published as pathogenic or benign to our knowledge; Not observed at significant frequency in large population cohorts (gnomAD); In silico analysis supports that this missense variant does not alter protein structure/function

PreventionGenetics, part of Exact Sciences
Classification: Uncertain significance for DSG2-related condition. Last evaluated: 2022-11-06. Review status: criteria provided, single submitter. Criteria: ACMG Guidelines, 2015. Collection method: clinical testing. Allele origin: germline.
Comment: The DSG2 c.1503G>T variant is predicted to result in the amino acid substitution p.Glu501Asp. To our knowledge, this variant has not been reported in the literature. This variant is reported in 0.0018% of alleles in individuals of European (Non-Finnish) descent in gnomAD. At this time, the clinical significance of this variant is uncertain due to the absence of conclusive functional and genetic evidence.